The following is an entry in ClinVar:

ClinVar aggregate classification (germline): Uncertain significance (1 of 4 stars; one submission).

Conditions:
Hereditary cancer-predisposing syndrome. Also called: Hereditary Cancer Syndrome; Tumor predisposition; Hereditary neoplastic syndrome; Neoplastic Syndromes, Hereditary. Identifiers: Orphanet 140162, MedGen C0027672, MeSH D009386, MONDO:0015356.

Submission:

Hereditary Cancer Group, L’Institut d'Investigació Biomèdica de Bellvitge
Classification: Uncertain significance for Hereditary cancer-predisposing syndrome. Last evaluated: 2024-12-19. Review status: criteria provided, single submitter. Criteria: Hatton et al. (Hum Mutat. 2023). Collection method: clinical testing. Allele origin: germline. Inheritance: Autosomal dominant inheritance. Affected: yes.
Comment: PM2_supporting, BP4

NM_177438.3(DICER1):c.2257A>G (p.Ile753Val)

Gene: DICER1 (dicer 1, ribonuclease III; minus strand). Cytogenetic location: 14q32.13.
Variant type: single nucleotide variant.
Coding change: c.2257A>G on transcript NM_177438.3 (MANE Select); coding-DNA position 2257, A replaced by G.
Protein change: p.Ile753Val; replaces isoleucine 753 with valine.
Molecular consequence: missense variant. On other transcripts: non-coding transcript variant (6).
Genome position (GRCh38, 1-based): chr14:95,108,503, T>C on the plus strand (A>G on the coding strand, the complement: DICER1 is on the minus strand). VCF-style: chr14-95108503-T-C. GRCh37 (hg19) VCF-style: chr14-95574840-T-C.
Other names: c.2257A>G, p.Ile753Val (NM_001195573.1, NM_001271282.3, NM_001291628.2 and 12 more transcripts); c.1975A>G, p.Ile659Val (NM_001395686.1); c.1852A>G, p.Ile618Val (NM_001395687.1, NM_001395688.1, NM_001395689.1 and 2 more transcripts); c.1690A>G, p.Ile564Val (NM_001395691.1); c.574A>G, p.Ile192Val (NM_001395697.1); short protein forms I192V, I564V, I618V, I659V, I753V.
Identifiers: ClinVar variation 3393365 (VCV003393365.1).